The following is an entry in ClinVar:

ClinVar aggregate classification (germline): Uncertain significance (1 of 4 stars; one submission).

Submission:

GeneDx
Classification: Uncertain significance. Last evaluated: 2025-04-09. Review status: criteria provided, single submitter. Criteria: GeneDx Variant Classification Process June 2021. Collection method: clinical testing. Allele origin: germline.
Comment: Not observed at significant frequency in large population cohorts (gnomAD); In silico analysis supports that this missense variant has a deleterious effect on protein structure/function; Has not been previously published as pathogenic or benign to our knowledge

NM_001005273.3(CHD3):c.533C>A (p.Pro178His)

Gene: CHD3 (chromodomain helicase DNA binding protein 3; plus strand). Cytogenetic location: 17p13.1.
Variant type: single nucleotide variant.
Coding change: c.533C>A on transcript NM_001005273.3 (MANE Select); coding-DNA position 533, C replaced by A.
Protein change: p.Pro178His; replaces proline 178 with histidine.
Molecular consequence: missense variant.
Genome position (GRCh38, 1-based): chr17:7,893,309, C>A. VCF-style: chr17-7893309-C-A. GRCh37 (hg19) VCF-style: chr17-7796627-C-A.
Other names: c.710C>A, p.Pro237His (NM_001005271.3); c.533C>A, p.Pro178His (NM_005852.4); short protein forms P178H, P237H.
Identifiers: ClinVar variation 3391766 (VCV003391766.2).